The following is an entry in ClinVar:

ClinVar aggregate classification (germline): Uncertain significance (0 of 4 stars; one submission).

Conditions:
ELN-related disorder.

Submission:

PreventionGenetics, part of Exact Sciences
Classification: Uncertain significance for ELN-related condition. Last evaluated: 2024-07-04. Review status: no assertion criteria provided. Collection method: clinical testing. Allele origin: germline.
Comment: The ELN c.2151A>C variant is predicted to result in the amino acid substitution p.Lys717Asn. To our knowledge, this variant has not been reported in the literature or in a large population database, indicating this variant is rare. At this time, the clinical significance of this variant is uncertain due to the absence of conclusive functional and genetic evidence.

NM_000501.4(ELN):c.2151A>C (p.Lys717Asn)

Gene: ELN (elastin; plus strand). Cytogenetic location: 7q11.23.
Variant type: single nucleotide variant.
Coding change: c.2151A>C on transcript NM_000501.4 (MANE Select); coding-DNA position 2151, A replaced by C.
Protein change: p.Lys717Asn; replaces lysine 717 with asparagine.
Molecular consequence: missense variant.
Genome position (GRCh38, 1-based): chr7:74,068,676, A>C. VCF-style: chr7-74068676-A-C. GRCh37 (hg19) VCF-style: chr7-73483006-A-C.
Other names: c.2010A>C, p.Lys670Asn (NM_001081752.3); c.2055A>C, p.Lys685Asn (NM_001081753.3); c.2112A>C, p.Lys704Asn (NM_001081754.3); c.2094A>C, p.Lys698Asn (NM_001081755.3); c.2097A>C, p.Lys699Asn (NM_001278912.2); c.1908A>C, p.Lys636Asn (NM_001278913.2); c.2079A>C, p.Lys693Asn (NM_001278914.2); c.2169A>C, p.Lys723Asn (NM_001278915.2); and 4 more; short protein forms K610N, K636N, K651N, K670N, K685N, K693N, K698N, K699N.
Identifiers: ClinVar variation 3347830 (VCV003347830.1).
Genomic context (GRCh38, chr7:74,068,676, plus strand): 5'-AGGGGCCGGACTCACAGTGATGTGCACCTCCTCCCGTCCAGGTGGGGCCTGCCTGGGGAA[A>C]GCTTGTGGCCGGAAGAGAAAATGAGCTTCCTAGGACCCCTGACTCACGACCTCATCAACG-3'
Protein context (NP_000492.2, residues 707-724): PIFPGGACLG[Lys717Asn]ACGRKRK